The following is an entry in ClinVar:

NM_177550.5(SLC13A5):c.548-2A>G

Gene: SLC13A5 (solute carrier family 13 member 5; minus strand). Cytogenetic location: 17p13.1.
Variant type: single nucleotide variant.
Coding change: c.548-2A>G on transcript NM_177550.5 (MANE Select); the canonical splice acceptor site of the intron before coding-DNA position 548, A replaced by G.
Molecular consequence: splice acceptor variant.
Genome position (GRCh38, 1-based): chr17:6,703,140, T>C on the plus strand (A>G on the coding strand, the complement: SLC13A5 is on the minus strand). VCF-style: chr17-6703140-T-C. GRCh37 (hg19) VCF-style: chr17-6606459-T-C.
Other names: c.419-2A>G (NM_001284510.2); c.497-2A>G (NM_001284509.2); c.548-2A>G (NM_001143838.3).
Identifiers: ClinVar variation 421410 (VCV000421410.11), dbSNP rs966681982, ClinGen allele CA16620587.

ClinVar aggregate classification (germline): Likely pathogenic. Review status: criteria provided, multiple submitters, no conflicts (2 of 4 stars). 2 submissions from 2 submitters: Likely pathogenic (2). Last evaluated 2025-05-19.

Conditions:
Developmental and epileptic encephalopathy, 25 (DEE25). Also called: Epileptic encephalopathy, early infantile, 25; Developmental and epileptic encephalopathy 25, with amelogenesis imperfecta; Epileptic encephalopathy, early infantile, 25, with amelogenesis imperfecta. Identifiers: Orphanet 442835, MedGen C4014621, MONDO:0014392, OMIM 615905.

Allele frequency attached by ClinVar (database versions not stated): gnomAD exomes below 0.00001; gnomAD 0.00001; TOPMed 0.00001.
gnomAD v4.1: 3 of 1,613,874 alleles (0.00019%); highest among the groups gnomAD compares: African/African-American, 0.004%; no homozygotes.

Submissions (2):

Labcorp Genetics (formerly Invitae), Labcorp
Classification: Likely pathogenic for Developmental and epileptic encephalopathy, 25. Last evaluated: 2025-05-19. Review status: criteria provided, single submitter. Criteria: Invitae Variant Classification Sherloc (09022015). Collection method: clinical testing. Allele origin: germline.
Comment: This sequence change affects an acceptor splice site in intron 4 of the SLC13A5 gene. It is expected to disrupt RNA splicing. Variants that disrupt the donor or acceptor splice site typically lead to a loss of protein function (PMID: 16199547), and loss-of-function variants in SLC13A5 are known to be pathogenic (PMID: 24995870, 26384929). This variant is not present in population databases (gnomAD no frequency). This variant has not been reported in the literature in individuals affected with SLC13A5-related conditions. ClinVar contains an entry for this variant (Variation ID: 421410). Algorithms developed to predict the effect of sequence changes on RNA splicing suggest that this variant may disrupt the consensus splice site. In summary, the currently available evidence indicates that the variant is pathogenic, but additional data are needed to prove that conclusively. Therefore, this variant has been classified as Likely Pathogenic.

GeneDx
Classification: Likely pathogenic. Last evaluated: 2020-09-18. Review status: criteria provided, single submitter. Criteria: GeneDx Variant Classification Process June 2021. Collection method: clinical testing. Allele origin: germline. Affected: yes.
Comment: Canonical splice site variant in a gene for which loss-of-function is a known mechanism of disease; Not observed in large population cohorts (Lek et al., 2016); Has not been previously published as pathogenic or benign to our knowledge

Literature cited by the submitters: PubMed 16199547 (cited by Labcorp Genetics (formerly Invitae), Labcorp); PubMed 24995870 (cited by Labcorp Genetics (formerly Invitae), Labcorp); PubMed 26384929 (cited by Labcorp Genetics (formerly Invitae), Labcorp).